The following is an entry in ClinVar:

NM_000353.3(TAT):c.974G>T (p.Gly325Val)

Genes: TAT (tyrosine aminotransferase; minus strand), TAT-AS1 (TAT antisense RNA 1; plus strand). Cytogenetic location: 16q22.2.
Variant type: single nucleotide variant.
Coding change: c.974G>T on transcript NM_000353.3 (MANE Select); coding-DNA position 974, G replaced by T.
Protein change: p.Gly325Val; replaces glycine 325 with valine.
Molecular consequence: missense variant.
Genome position (GRCh38, 1-based): chr16:71,570,336, C>A on the plus strand (G>T on the coding strand, the complement: TAT is on the minus strand). VCF-style: chr16-71570336-C-A. GRCh37 (hg19) VCF-style: chr16-71604239-C-A.
Other names: short protein forms G325V.
Identifiers: ClinVar variation 1716704 (VCV001716704.4), dbSNP rs2507662852, ClinGen allele CA396650876.

ClinVar aggregate classification (germline): Uncertain significance (1 of 4 stars; one submission).

Conditions:
Tyrosinemia type II (TYRSN2). Also called: TAT DEFICIENCY; TYROSINE AMINOTRANSFERASE DEFICIENCY; TYROSINE TRANSAMINASE DEFICIENCY; KERATOSIS PALMOPLANTARIS WITH CORNEAL DYSTROPHY; OREGON TYPE TYROSINEMIA. Identifiers: Orphanet 28378, MedGen C0268487, MONDO:0010160, OMIM 276600.

Submission:

Labcorp Genetics (formerly Invitae), Labcorp
Classification: Uncertain significance for Tyrosinemia type II. Last evaluated: 2025-07-21. Review status: criteria provided, single submitter. Criteria: Invitae Variant Classification Sherloc (09022015). Collection method: clinical testing. Allele origin: germline.
Comment: This sequence change replaces glycine, which is neutral and non-polar, with valine, which is neutral and non-polar, at codon 325 of the TAT protein (p.Gly325Val). This variant is not present in population databases (gnomAD no frequency). This variant has not been reported in the literature in individuals affected with TAT-related conditions. ClinVar contains an entry for this variant (Variation ID: 1716704). Invitae Evidence Modeling of protein sequence and biophysical properties (such as structural, functional, and spatial information, amino acid conservation, physicochemical variation, residue mobility, and thermodynamic stability) has been performed for this missense variant. However, the output from this modeling did not meet the statistical confidence thresholds required to predict the impact of this variant on TAT protein function. In summary, the available evidence is currently insufficient to determine the role of this variant in disease. Therefore, it has been classified as a Variant of Uncertain Significance.